The following is an entry in ClinVar:

ClinVar aggregate classification (germline): Pathogenic/Likely pathogenic. Review status: criteria provided, multiple submitters, no conflicts (2 of 4 stars). 2 submissions from 2 submitters: Pathogenic (1); Likely pathogenic (1). Last evaluated 2022-02-02.

Conditions:
WNT10B-related disorder. Also called: WNT10B-related condition.
Split hand-foot malformation 6. Also called: ECTRODACTYLY, AUTOSOMAL RECESSIVE. Identifiers: Orphanet 2440, MedGen C2749665, MONDO:0009157, OMIM 225300.

gnomAD v4.1: 42 of 1,600,360 alleles (0.0026%); highest among the groups gnomAD compares: African/African-American, 0.0053%; no homozygotes.

Submissions (2):

Victorian Clinical Genetics Services, Murdoch Childrens Research Institute
Classification: Pathogenic for Split hand-foot malformation 6. Last evaluated: 2022-02-02. Review status: criteria provided, single submitter. Criteria: ACMG Guidelines, 2015. Collection method: clinical testing. Allele origin: germline. Affected: yes.
Comment: Based on the classification scheme VCGS_Germline_v1.3.4, this variant is classified as Pathogenic. Following criteria are met: 0102 - Loss of function is a known mechanism of disease in this gene and is associated with split-hand/foot malformation 6 (MIM#22530) and tooth agenesis, selective, 8 (MIM#617073). (I) 0108 - This gene is associated with both recessive and dominant disease. While the genotype-phenotype correlation is currently unestablished, only missense variants and a single protein truncating variant have been reported for tooth agenesis, selective, 8 (MIM#617073). It was also noted that in a single family, heterozygotes had tooth agenesis, selective, 8 (MIM#617073), while the homozygotes presented with split-hand/foot malformation 6 (MIM#22530) (PMID: 29364501, 27321946). (I) 0115 - Variants in this gene are known to have variable expressivity (PMID: 31050392). (I) 0201 - Variant is predicted to cause nonsense-mediated decay (NMD) and loss of protein (premature termination codon is located at least 54 nucleotides upstream of the final exon-exon junction). (SP) 0251 - This variant is heterozygous. (I) 0304 - Variant is present in gnomAD <0.01 (v2: 9 heterozygotes, 0 homozygotes). (SP) 0703 - Other NMD-predicted variants comparable to the one identified in this case have moderate previous evidence for pathogenicity (Clinvar, PMID: 31050392). (SP) 0803 - This variant has limited previous evidence of pathogenicity in unrelated individuals. It has been identified in individuals with split-hand/foot malformation 6 (MIM#22530). While one of them was missing a second hit, it was noted that in both families, carriers of the variant were asymptomatic (PMID: 31502745, 34394812). (SP) 0905 - No published segregation evidence has been identified for this variant. (I) 1007 - No published functional evidence has been identified for this variant. (I) 1208 - Inheritance information for this variant is not currently available in this individual. (I) Legend: (SP) - Supporting pathogenic, (I) - Information, (SB) - Supporting benign

Blueprint Genetics
Classification: Likely pathogenic for WNT10B-related disorders. Last evaluated: 2021-10-08. Review status: criteria provided, single submitter. Criteria: ACMG Guidelines, 2015. Collection method: clinical testing. Allele origin: germline. Affected: yes. Observed: 2 variant alleles.

Literature cited by the submitters: PubMed 27321946 (cited by Victorian Clinical Genetics Services, Murdoch Childrens Research Institute); PubMed 29364501 (cited by Victorian Clinical Genetics Services, Murdoch Childrens Research Institute); PubMed 31050392 (cited by Victorian Clinical Genetics Services, Murdoch Childrens Research Institute); PubMed 31502745 (cited by Victorian Clinical Genetics Services, Murdoch Childrens Research Institute); PubMed 34394812 (cited by Victorian Clinical Genetics Services, Murdoch Childrens Research Institute).

NM_003394.4(WNT10B):c.343C>T (p.Arg115Ter)

Gene: WNT10B (Wnt family member 10B; minus strand). Cytogenetic location: 12q13.12.
Variant type: single nucleotide variant.
Coding change: c.343C>T on transcript NM_003394.4 (MANE Select); coding-DNA position 343, C replaced by T.
Protein change: p.Arg115Ter; replaces arginine 115 with a stop codon.
Molecular consequence: nonsense.
Genome position (GRCh38, 1-based): chr12:48,968,314, G>A on the plus strand (C>T on the coding strand, the complement: WNT10B is on the minus strand). VCF-style: chr12-48968314-G-A. GRCh37 (hg19) VCF-style: chr12-49362097-G-A.
Other names: short protein forms R115*.
Identifiers: ClinVar variation 3376605 (VCV003376605.2).